The following is an entry in ClinVar:

NM_016373.4(WWOX):c.926G>A (p.Arg309His)

Gene: WWOX (WW domain containing oxidoreductase; plus strand). Cytogenetic location: 16q23.1.
Variant type: single nucleotide variant.
Coding change: c.926G>A on transcript NM_016373.4 (MANE Select); coding-DNA position 926, G replaced by A.
Protein change: p.Arg309His; replaces arginine 309 with histidine.
Molecular consequence: missense variant.
Genome position (GRCh38, 1-based): chr16:78,432,622, G>A. VCF-style: chr16-78432622-G-A. GRCh37 (hg19) VCF-style: chr16-78466519-G-A.
Other names: c.587G>A, p.Arg196His (NM_001291997.2); short protein forms R196H, R309H.
Identifiers: ClinVar variation 1318555 (VCV001318555.6), dbSNP rs370792938, ClinGen allele CA8183556.
Genomic context (GRCh38, chr16:78,432,622, plus strand): 5'-CGATGCTGGCTTATAACAGGTCCAAGCTCTGCAACATCCTCTTCTCCAACGAGCTGCACC[G>A]TCGCCTCTCCCCACGCGGGGTCACGTCGAACGCAGTGCATCCTGGAAATATGATGTACTC-3'
Protein context (NP_057457.1, residues 299-319): CNILFSNELH[Arg309His]RLSPRGVTSN

ClinVar aggregate classification (germline): Uncertain significance. Review status: criteria provided, multiple submitters, no conflicts (2 of 4 stars). 3 submissions from 3 submitters: Uncertain significance (3). Last evaluated 2022-03-30.

Conditions:
Autosomal recessive spinocerebellar ataxia 12. Also called: SPINOCEREBELLAR ATAXIA WITH MENTAL RETARDATION AND EPILEPSY. Identifiers: Orphanet 284282, MedGen C3280452, MONDO:0013687, OMIM 614322.
Malignant tumor of esophagus. Also called: Esophageal cancer, somatic; Esophageal cancer. Identifiers: Orphanet 99977, MedGen C0546837, MONDO:0007576, OMIM 133239.
Developmental and epileptic encephalopathy, 28 (DEE28). Also called: Epileptic encephalopathy, early infantile, 28. Identifiers: Orphanet 442835, MedGen C4015519, MONDO:0014533, OMIM 616211.
Developmental and epileptic encephalopathy, 1 (DEE1). Also called: X-linked infantile spasms; West's syndrome; Tonic spasms with clustering, arrest of psychomotor development and hypsarrhythmia on EEG; X-Linked Infantile Spasm Syndrome; OHTAHARA SYNDROME, X-LINKED; INFANTILE SPASM SYNDROME, X-LINKED 1. Identifiers: MedGen C3463992, MONDO:0010632, OMIM 308350. Disease mechanism: loss of function.

Allele frequency attached by ClinVar (database versions not stated): ExAC 0.00002; TOPMed 0.00002; gnomAD 0.00003 and 0.00004; ESP Exome Variant Server 0.00008.
gnomAD v4.1: 46 of 1,614,078 alleles (0.0028%); highest among the groups gnomAD compares: South Asian, 0.026%; 1 homozygote.

Submissions (3):

Fulgent Genetics
Classification: Uncertain significance for Malignant tumor of esophagus; Autosomal recessive spinocerebellar ataxia 12; Developmental and epileptic encephalopathy, 28. Last evaluated: 2022-03-30. Review status: criteria provided, single submitter. Criteria: ACMG Guidelines, 2015. Collection method: clinical testing. Allele origin: unknown.

Labcorp Genetics (formerly Invitae), Labcorp
Classification: Uncertain significance for Developmental and epileptic encephalopathy, 1; Autosomal recessive spinocerebellar ataxia 12. Last evaluated: 2021-09-01. Review status: criteria provided, single submitter. Criteria: Invitae Variant Classification Sherloc (09022015). Collection method: clinical testing. Allele origin: germline.

GeneDx
Classification: Uncertain significance. Last evaluated: 2019-06-11. Review status: criteria provided, single submitter. Criteria: GeneDx Variant Classification Process June 2021. Collection method: clinical testing. Allele origin: germline. Affected: yes.
Comment: Not observed at a significant frequency in large population cohorts (Lek et al., 2016); In silico analysis, which includes protein predictors and evolutionary conservation, supports a deleterious effect; Has not been previously published as pathogenic or benign to our knowledge